The following is an entry in ClinVar:

ClinVar aggregate classification (germline): Uncertain significance. Review status: criteria provided, multiple submitters, no conflicts (2 of 4 stars). 2 submissions from 2 submitters: Uncertain significance (2). Last evaluated 2022-04-19.

Conditions:
Marfan syndrome (MFS). Also called: FBN1-Related Marfan Syndrome; MARFAN SYNDROME, TYPE I; Marfan syndrome type 1; Marfan's syndrome; Marfan syndrome, classic. Identifiers: Orphanet 284963, Orphanet 558, MedGen C0024796, MONDO:0007947, OMIM 154700.
Familial thoracic aortic aneurysm and aortic dissection (TAAD). Also called: Thoracic aortic aneurysms and dissections. Identifiers: Orphanet 91387, MedGen C4707243, MONDO:0019625.

Submissions (2):

GeneDx
Classification: Uncertain significance. Last evaluated: 2022-04-19. Review status: criteria provided, single submitter. Criteria: GeneDx Variant Classification Process June 2021. Collection method: clinical testing. Allele origin: germline. Affected: yes.
Comment: Not observed at significant frequency in large population cohorts (gnomAD); Although located in a calcium-binding EGF-like domain of the FBN1 gene, it does not affect a cysteine residue within this domain; cysteine substitutions in the calcium-binding EGF-like domains represent the majority of pathogenic missense changes associated with FBN1-related disorders (Collod-Beroud et al., 2003); In silico analysis supports that this missense variant has a deleterious effect on protein structure/function; This variant is associated with the following publications: (PMID: 31830381)

Labcorp Genetics (formerly Invitae), Labcorp
Classification: Uncertain significance for Marfan syndrome; Familial thoracic aortic aneurysm and aortic dissection. Last evaluated: 2020-04-01. Review status: criteria provided, single submitter. Criteria: Invitae Variant Classification Sherloc (09022015). Collection method: clinical testing. Allele origin: germline.
Comment: In summary, the available evidence is currently insufficient to determine the role of this variant in disease. Therefore, it has been classified as a Variant of Uncertain Significance. Algorithms developed to predict the effect of missense changes on protein structure and function are either unavailable or do not agree on the potential impact of this missense change (SIFT: "Deleterious"; PolyPhen-2: "Probably Damaging"; Align-GVGD: "Class C15"). This variant has not been reported in the literature in individuals with FBN1-related conditions. This variant is not present in population databases (ExAC no frequency). This sequence change replaces leucine with proline at codon 1421 of the FBN1 protein (p.Leu1421Pro). The leucine residue is highly conserved and there is a moderate physicochemical difference between leucine and proline.

NM_000138.5(FBN1):c.4262T>C (p.Leu1421Pro)

Genes: FBN1 (fibrillin 1; minus strand), LOC126862124 (CDK7 strongly-dependent group 2 enhancer GRCh37_chr15:48764566-48765765; plus strand). Cytogenetic location: 15q21.1.
Variant type: single nucleotide variant.
Coding change: c.4262T>C on transcript NM_000138.5 (MANE Select); coding-DNA position 4262, T replaced by C.
Protein change: p.Leu1421Pro; replaces leucine 1421 with proline.
Molecular consequence: missense variant.
Genome position (GRCh38, 1-based): chr15:48,472,625, A>G on the plus strand (T>C on the coding strand, the complement: FBN1 is on the minus strand). VCF-style: chr15-48472625-A-G. GRCh37 (hg19) VCF-style: chr15-48764822-A-G.
Other names: short protein forms L1421P.
Identifiers: ClinVar variation 1025680 (VCV001025680.10), dbSNP rs2043386032, ClinGen allele CA392317878.
Genomic context (GRCh38, chr15:48,472,625, plus strand): 5'-CCGTCAGCACTGGGCACGAAGCCCATGTCGCATTCACAGCGGTATCCTCCTGGTGCATTG[A>G]GGCACTGGCCATTGCCACAGAGATTCAGGTTCTCAGAGCACTCATCAAGGTCTACAGCCA-3'
Protein context (NP_000129.3, residues 1411-1431): NLNLCGNGQC[Leu1421Pro]NAPGGYRCEC